The following is an entry in ClinVar:

ClinVar aggregate classification (germline): Uncertain significance (1 of 4 stars; one submission).

Conditions:
Autosomal recessive limb-girdle muscular dystrophy type 2J (LGMDR10). Also called: MUSCULAR DYSTROPHY, LIMB-GIRDLE, AUTOSOMAL RECESSIVE 10; Limb-girdle muscular dystrophy, type 2J. Identifiers: Orphanet 140922, MedGen C1837342, MONDO:0012127, OMIM 608807.

gnomAD v4.1: 1 of 1,614,090 alleles (0.000062%); highest among the groups gnomAD compares: Non-Finnish European, 0.000085%; no homozygotes.

Submission:

3billion
Classification: Uncertain significance for Autosomal recessive limb-girdle muscular dystrophy type 2J. Last evaluated: 2025-08-12. Review status: criteria provided, single submitter. Criteria: ACMG Guidelines, 2015. Collection method: clinical testing. Allele origin: germline. Affected: yes.
Comment: The variant is observed at an extremely low frequency in the gnomAD v4.1.0 dataset (total allele frequency: <0.001%). Predicted Consequence/Location: Missense variant. The majority of the known disease-causing variants of this gene are variants expected to result in premature termination of the protein. In silico tool predictions suggest damaging effect of the variant on gene or gene product [REVEL: 0.85 (>=0.6, sensitivity 0.68 and specificity 0.92)]. Therefore, this variant is classified as VUS according to the recommendation of ACMG/AMP guideline.

NM_001267550.2(TTN):c.10034C>G (p.Pro3345Arg)

Gene: TTN (titin; minus strand). Cytogenetic location: 2q31.2.
Variant type: single nucleotide variant.
Coding change: c.10034C>G on transcript NM_001267550.2 (MANE Select); coding-DNA position 10034, C replaced by G.
Protein change: p.Pro3345Arg; replaces proline 3345 with arginine.
Molecular consequence: missense variant.
Genome position (GRCh38, 1-based): chr2:178,764,257, G>C on the plus strand (C>G on the coding strand, the complement: TTN is on the minus strand). VCF-style: chr2-178764257-G-C. GRCh37 (hg19) VCF-style: chr2-179628984-G-C.
Other names: c.10034C>G, p.Pro3345Arg (NM_001256850.1, NM_133378.4, NM_133379.5); c.9896C>G, p.Pro3299Arg (NM_003319.4, NM_133432.3, NM_133437.4); short protein forms P3299R, P3345R.
Identifiers: ClinVar variation 4854962 (VCV004854962.1).
Genomic context (GRCh38, chr2:178,764,257, plus strand): 5'-TGAAAACGGGCTGGCTGCCCTTCAGAAGTGACAGTGTCCTGAAGCGGGGTGATGATGGCA[G>C]GTGGATAAACAGGCATTTCCTGATCAGGAGACACAACTTCTGGAACTAAAGAAAGAAACC-3'
Protein context (NP_001254479.2, residues 3335-3355): SPDQEMPVYP[Pro3345Arg]AIITPLQDTV